The following is an entry in ClinVar:

ClinVar aggregate classification (germline): Pathogenic/Likely pathogenic. Review status: criteria provided, multiple submitters, no conflicts (2 of 4 stars). 2 submissions from 2 submitters: Pathogenic (1); Likely pathogenic (1). Last evaluated 2024-10-24.

Conditions:
Cohen syndrome (COH1). Also called: PEPPER SYNDROME; Cutis verticis gyrata, retinitis pigmentosa, and sensorineural deafness. Identifiers: Orphanet 193, MedGen C0265223, MONDO:0008999, OMIM 216550.

Allele frequency attached by ClinVar (database versions not stated): gnomAD exomes below 0.00001.
gnomAD v4.1: 1 of 1,614,186 alleles (0.000062%); highest among the groups gnomAD compares: Non-Finnish European, 0.000085%; no homozygotes.

Submissions (2):

Labcorp Genetics (formerly Invitae), Labcorp
Classification: Pathogenic for Cohen syndrome. Last evaluated: 2024-10-24. Review status: criteria provided, single submitter. Criteria: Invitae Variant Classification Sherloc (09022015). Collection method: clinical testing. Allele origin: germline.
Comment: This sequence change creates a premature translational stop signal (p.Gln3832*) in the VPS13B gene. It is expected to result in an absent or disrupted protein product. Loss-of-function variants in VPS13B are known to be pathogenic (PMID: 15141358, 16648375, 20461111). This variant is not present in population databases (gnomAD no frequency). This variant has not been reported in the literature in individuals affected with VPS13B-related conditions. ClinVar contains an entry for this variant (Variation ID: 1405772). For these reasons, this variant has been classified as Pathogenic.

Fulgent Genetics
Classification: Likely pathogenic for Cohen syndrome. Last evaluated: 2024-04-30. Review status: criteria provided, single submitter. Criteria: ACMG Guidelines, 2015. Collection method: clinical testing. Allele origin: germline.

Literature cited by the submitters: PubMed 15141358 (cited by Labcorp Genetics (formerly Invitae), Labcorp); PubMed 16648375 (cited by Labcorp Genetics (formerly Invitae), Labcorp); PubMed 20461111 (cited by Labcorp Genetics (formerly Invitae), Labcorp).

NM_152564.5(VPS13B):c.11419C>T (p.Gln3807Ter)

Gene: VPS13B (vacuolar protein sorting 13 homolog B; plus strand). Cytogenetic location: 8q22.2.
Variant type: single nucleotide variant.
Coding change: c.11419C>T on transcript NM_152564.5 (MANE Select); coding-DNA position 11419, C replaced by T.
Protein change: p.Gln3807Ter; replaces glutamine 3807 with a stop codon.
Molecular consequence: nonsense.
Genome position (GRCh38, 1-based): chr8:99,870,811, C>T. VCF-style: chr8-99870811-C-T. GRCh37 (hg19) VCF-style: chr8-100883039-C-T.
Other names: c.11494C>T, p.Gln3832Ter (NM_017890.5); c.11494C>T (NM_017890.4); short protein forms Q3832*, Q3807*.
Identifiers: ClinVar variation 1405772 (VCV001405772.7), dbSNP rs2130972411, ClinGen allele CA371793590.